The following is an entry in ClinVar:

ClinVar aggregate classification (germline): Benign/Likely benign. Review status: criteria provided, multiple submitters, no conflicts (2 of 4 stars). 5 submissions from 5 submitters: Benign (1); Likely benign (3). 1 of the submissions does not count toward it. Last evaluated 2025-08-18.

Conditions:
NOS1-related disorder. Also called: NOS1-related condition.

Allele frequency attached by ClinVar (database versions not stated): 1000 Genomes Project 30x 0.00125; 1000 Genomes Project 0.00140; TOPMed 0.00332; ExAC 0.00435; gnomAD 0.00438 and 0.00442; gnomAD exomes 0.00438 and 0.00510; ESP Exome Variant Server 0.00582.
gnomAD v4.1: 8,078 of 1,614,220 alleles (0.5%); highest among the groups gnomAD compares: Middle Eastern, 1.4%; 42 homozygotes.

Submissions (5):

Genomic Medicine Center of Excellence, King Faisal Specialist Hospital and Research Centre
Classification: Likely benign. Last evaluated: 2025-08-18. Review status: criteria provided, single submitter. Criteria: ACMG Guidelines, 2015. Collection method: clinical testing. Allele origin: germline.

CeGaT Center for Human Genetics Tuebingen
Classification: Benign. Last evaluated: 2022-09-01. Review status: criteria provided, single submitter. Criteria: CeGaT Center For Human Genetics Tuebingen Variant Classification Criteria Version 2. Collection method: clinical testing. Allele origin: germline. Affected: yes. Observed: 2 variant alleles.
Comment: NOS1: PP2, BS1, BS2

Labcorp Genetics (formerly Invitae), Labcorp
Classification: Likely benign. Last evaluated: 2019-12-31. Review status: criteria provided, single submitter. Criteria: Invitae Variant Classification Sherloc (09022015). Collection method: clinical testing. Allele origin: germline.

Breakthrough Genomics
Classification: Likely benign. Review status: criteria provided, single submitter. Criteria: ACMG Guidelines, 2015. Collection method: not provided. Allele origin: germline. Inheritance: Unknown mechanism. Affected: yes.

PreventionGenetics, part of Exact Sciences
Classification: Benign for NOS1-related condition. Last evaluated: 2019-05-23. Review status: no assertion criteria provided. Collection method: clinical testing. Allele origin: germline. Not counted in ClinVar's aggregate classification.
Comment: This variant is classified as benign based on ACMG/AMP sequence variant interpretation guidelines (Richards et al. 2015 PMID: 25741868, with internal and published modifications).

NM_000620.5(NOS1):c.1181A>C (p.Asp394Ala)

Gene: NOS1 (nitric oxide synthase 1; minus strand). Cytogenetic location: 12q24.22.
Variant type: single nucleotide variant.
Coding change: c.1181A>C on transcript NM_000620.5 (MANE Select); coding-DNA position 1181, A replaced by C.
Protein change: p.Asp394Ala; replaces aspartic acid 394 with alanine.
Molecular consequence: missense variant.
Genome position (GRCh38, 1-based): chr12:117,286,213, T>G on the plus strand (A>C on the coding strand, the complement: NOS1 is on the minus strand). VCF-style: chr12-117286213-T-G. GRCh37 (hg19) VCF-style: chr12-117724018-T-G.
Other names: c.1181A>C (NM_001204218.1); c.173A>C, p.Asp58Ala (NM_001204213.2, NM_001204214.2); c.1181A>C, p.Asp394Ala (NM_001204218.2); short protein forms D394A, D58A.
Identifiers: ClinVar variation 774822 (VCV000774822.31), dbSNP rs9658356, ClinGen allele CA6815214.